The following is an entry in ClinVar:

NM_001430.5(EPAS1):c.1554+7G>A

Gene: EPAS1 (endothelial PAS domain protein 1; plus strand). Cytogenetic location: 2p21.
Variant type: single nucleotide variant.
Coding change: c.1554+7G>A on transcript NM_001430.5 (MANE Select); 7 bases into the intron after coding-DNA position 1554, G replaced by A.
Molecular consequence: intron variant.
Genome position (GRCh38, 1-based): chr2:46,378,774, G>A. VCF-style: chr2-46378774-G-A. GRCh37 (hg19) VCF-style: chr2-46605913-G-A.
Identifiers: ClinVar variation 336265 (VCV000336265.6), dbSNP rs376028682, ClinGen allele CA1645028.

ClinVar aggregate classification (germline): Likely benign. Review status: criteria provided, multiple submitters, no conflicts (2 of 4 stars). 2 submissions from 2 submitters: Likely benign (2). Last evaluated 2026-01-16.

Conditions:
Erythrocytosis, familial, 4 (ECYT4). Identifiers: Orphanet 247511, MedGen C2673187, MONDO:0012729, OMIM 611783.

Allele frequency attached by ClinVar (database versions not stated): gnomAD 0.00006; TOPMed 0.00007; gnomAD exomes 0.00004; ExAC 0.00005; ESP Exome Variant Server 0.00008.
gnomAD v4.1: 195 of 1,610,516 alleles (0.012%); highest among the groups gnomAD compares: Non-Finnish European, 0.015%; no homozygotes.

Submissions (2):

Labcorp Genetics (formerly Invitae), Labcorp
Classification: Likely benign. Last evaluated: 2026-01-16. Review status: criteria provided, single submitter. Criteria: Invitae Variant Classification Sherloc (09022015). Collection method: clinical testing. Allele origin: germline.

Illumina Laboratory Services, Illumina
Classification: Likely benign for Erythrocytosis, familial, 4. Last evaluated: 2018-01-12. Review status: criteria provided, single submitter. Criteria: ICSL Variant Classification Criteria 13 December 2019. Collection method: clinical testing. Allele origin: germline.
Comment: This variant was observed in the ICSL laboratory as part of a predisposition screen in an ostensibly healthy population. It had not been previously curated by ICSL or reported in the Human Gene Mutation Database (HGMD: prior to June 1st, 2018), and was therefore a candidate for classification through an automated scoring system. Utilizing variant allele frequency, disease prevalence and penetrance estimates, and inheritance mode, an automated score was calculated to assess if this variant is too frequent to cause the disease. Based on the score and internal cut-off values, a variant classified as likely benign is not then subjected to further curation. The score for this variant resulted in a classification of likely benign for this disease.